The following is an entry in ClinVar:

NM_001244008.2(KIF1A):c.184-10C>T

Gene: KIF1A (kinesin family member 1A; minus strand). Cytogenetic location: 2q37.3.
Variant type: single nucleotide variant.
Coding change: c.184-10C>T on transcript NM_001244008.2 (MANE Select); 10 bases into the intron before coding-DNA position 184, C replaced by T.
Molecular consequence: intron variant.
Genome position (GRCh38, 1-based): chr2:240,788,240, G>A on the plus strand (C>T on the coding strand, the complement: KIF1A is on the minus strand). VCF-style: chr2-240788240-G-A. GRCh37 (hg19) VCF-style: chr2-241727657-G-A.
Other names: p.?; c.184-10C>T (NM_004321.7, NM_001379653.1, NM_001379650.1 and 21 more transcripts).
Identifiers: ClinVar variation 335283 (VCV000335283.31), dbSNP rs7594776, ClinGen allele CA2208858.
Genomic context (GRCh38, chr2:240,788,240, plus strand): 5'-GCCGATGTCCCGGTACACCTGCTTCTGCGACGCGTAGTTGATGTCCTCAGGCTGGAGGAC[G>A]AGGAAGGAATGAAGTTGCAGGAGGCTGGGTGCATCCGAGGCTCAGCCCATCATGTCTGCG-3'

ClinVar aggregate classification (germline): Benign/Likely benign. Review status: criteria provided, multiple submitters, no conflicts (2 of 4 stars). 9 submissions from 9 submitters: Benign (5); Likely benign (4). Last evaluated 2026-02-02.

Conditions:
Hereditary spastic paraplegia. Also called: Familial spastic paraparesis. Identifiers: Orphanet 685, MedGen C0037773, MONDO:0019064. Disease mechanism: loss of function.
Hereditary spastic paraplegia 30. Identifiers: Orphanet 101010, MedGen C5235139, MONDO:0012476.
Neuropathy, hereditary sensory, type 2C. Also called: KIF1A-Related HSAN2 (HSAN2C); Hereditary sensory and autonomic neuropathy type IIC. Identifiers: Orphanet 970, MedGen C3280168, MONDO:0013634, OMIM 614213.
Intellectual disability, autosomal dominant 9 (NESCAVS). Also called: KIF1A-Related Neurodevelopmental Disorder; NESCAV SYNDROME. Identifiers: Orphanet 662367, MedGen C5393830, MONDO:0013656, OMIM 614255.

Allele frequency attached by ClinVar (database versions not stated): gnomAD exomes 0.00084 and 0.00219; ExAC 0.00291; gnomAD 0.00820 and 0.00865; TOPMed 0.00912; 1000 Genomes Project 0.00998; 1000 Genomes Project 30x 0.01031; ESP Exome Variant Server 0.01067.

Submissions (9):

Labcorp Genetics (formerly Invitae), Labcorp
Classification: Benign for Hereditary spastic paraplegia 30; Neuropathy, hereditary sensory, type 2C; Intellectual disability, autosomal dominant 9. Last evaluated: 2026-02-02. Review status: criteria provided, single submitter. Criteria: Invitae Variant Classification Sherloc (09022015). Collection method: clinical testing. Allele origin: germline.

Blueprint Genetics
Classification: Likely benign. Last evaluated: 2024-11-25. Review status: criteria provided, single submitter. Criteria: ACMG Guidelines, 2015. Collection method: clinical testing. Allele origin: germline.

ARUP Laboratories, Molecular Genetics and Genomics, ARUP Laboratories
Classification: Benign. Last evaluated: 2024-10-11. Review status: criteria provided, single submitter. Criteria: ARUP Molecular Germline Variant Investigation Process 2024. Collection method: clinical testing. Allele origin: germline.

Mayo Clinic Laboratories, Mayo Clinic
Classification: Benign. Last evaluated: 2023-11-01. Review status: criteria provided, single submitter. Criteria: ACMG Guidelines, 2015. Collection method: clinical testing. Allele origin: germline. Observed: 9 variant alleles.

Athena Diagnostics
Classification: Benign. Last evaluated: 2021-01-21. Review status: criteria provided, single submitter. Criteria: Athena Diagnostics criteria. Collection method: clinical testing. Allele origin: unknown.

Illumina Laboratory Services, Illumina
Classification: Likely benign for Spastic paraplegia 30A, autosomal dominant. Last evaluated: 2018-01-12. Review status: criteria provided, single submitter. Criteria: ICSL Variant Classification Criteria 13 December 2019. Collection method: clinical testing. Allele origin: germline.
Comment: This variant was observed in the ICSL laboratory as part of a predisposition screen in an ostensibly healthy population. It had not been previously curated by ICSL or reported in the Human Gene Mutation Database (HGMD: prior to June 1st, 2018), and was therefore a candidate for classification through an automated scoring system. Utilizing variant allele frequency, disease prevalence and penetrance estimates, and inheritance mode, an automated score was calculated to assess if this variant is too frequent to cause the disease. Based on the score and internal cut-off values, a variant classified as likely benign is not then subjected to further curation. The score for this variant resulted in a classification of likely benign for this disease.

Genome Diagnostics Laboratory, The Hospital for Sick Children
Classification: Likely benign for Hereditary spastic paraplegia. Last evaluated: 2017-06-26. Review status: criteria provided, single submitter. Criteria: ACMG Guidelines, 2015. Collection method: clinical testing. Allele origin: germline. Affected: yes.

GeneDx
Classification: Benign. Last evaluated: 2016-01-13. Review status: criteria provided, single submitter. Criteria: GeneDx Variant Classification (06012015). Collection method: clinical testing. Allele origin: germline. Affected: yes.
Comment: This variant is considered likely benign or benign based on one or more of the following criteria: it is a conservative change, it occurs at a poorly conserved position in the protein, it is predicted to be benign by multiple in silico algorithms, and/or has population frequency not consistent with disease.

Breakthrough Genomics
Classification: Likely benign. Review status: criteria provided, single submitter. Criteria: ACMG Guidelines, 2015. Collection method: not provided. Allele origin: germline. Inheritance: Autosomal recessive inheritance. Affected: yes.